The following is an entry in ClinVar:

ClinVar aggregate classification (germline): Benign. Review status: criteria provided, multiple submitters, no conflicts (2 of 4 stars). 2 submissions from 2 submitters: Benign (2). Last evaluated 2018-06-16.

Allele frequency attached by ClinVar (database versions not stated): TOPMed 0.08774; 1000 Genomes Project 30x 0.08776; gnomAD 0.09060 and 0.09351; 1000 Genomes Project 0.09245.
gnomAD v4.1: 123,423 of 1,139,062 alleles (11%); highest among the groups gnomAD compares: Middle Eastern, 15%; 7,441 homozygotes.

Submissions (2):

GeneDx
Classification: Benign. Last evaluated: 2018-06-16. Review status: criteria provided, single submitter. Criteria: GeneDx Variant Classification (06012015). Collection method: clinical testing. Allele origin: germline. Affected: yes.
Comment: This variant is considered likely benign or benign based on one or more of the following criteria: it is a conservative change, it occurs at a poorly conserved position in the protein, it is predicted to be benign by multiple in silico algorithms, and/or has population frequency not consistent with disease.

Breakthrough Genomics
Classification: Benign. Review status: criteria provided, single submitter. Criteria: ACMG Guidelines, 2015. Collection method: not provided. Allele origin: germline. Inheritance: Autosomal recessive inheritance. Affected: yes.

NM_153240.5(NPHP3):c.2571-103G>T

Genes: NPHP3 (nephrocystin 3; minus strand), NPHP3-ACAD11 (NPHP3-ACAD11 readthrough (NMD candidate); minus strand). Cytogenetic location: 3q22.1.
Variant type: single nucleotide variant.
Coding change: c.2571-103G>T on transcript NM_153240.5 (MANE Select); 103 bases into the intron before coding-DNA position 2571, G replaced by T.
Molecular consequence: intron variant.
Genome position (GRCh38, 1-based): chr3:132,690,753, C>A on the plus strand (G>T on the coding strand, the complement: NPHP3 is on the minus strand). VCF-style: chr3-132690753-C-A. GRCh37 (hg19) VCF-style: chr3-132409597-C-A.
Identifiers: ClinVar variation 675000 (VCV000675000.2), dbSNP rs62292469, ClinGen allele CA83586105.